The following is an entry in ClinVar:

ClinVar aggregate classification (germline): Uncertain significance. Review status: criteria provided, multiple submitters, no conflicts (2 of 4 stars). 2 submissions from 2 submitters: Uncertain significance (2). Last evaluated 2025-12-29.

Conditions:
Inborn genetic diseases. Identifiers: MedGen C0950123, MeSH D030342.

Allele frequency attached by ClinVar (database versions not stated): gnomAD 0.00001; TOPMed 0.00006.

Submissions (2):

Women's Health and Genetics/Laboratory Corporation of America, LabCorp
Classification: Uncertain significance. Last evaluated: 2025-12-29. Review status: criteria provided, single submitter. Criteria: LabCorp Variant Classification Summary - May 2015. Collection method: clinical testing. Allele origin: germline.
Comment: Variant summary: ADGRL1 c.1222T>G (p.Ser408Ala) results in a conservative amino acid change in the encoded protein sequence. Algorithms developed to predict the effect of missense changes on protein structure and function all suggest that this variant is likely to be tolerated. The variant allele was found at a frequency of 2.1e-06 in 1412008 control chromosomes. The available data on variant occurrences in the general population are insufficient to allow any conclusion about variant significance. To our knowledge, no occurrence of c.1222T>G in individuals affected with ADGRL1-related conditions and no experimental evidence demonstrating its impact on protein function have been reported. ClinVar contains an entry for this variant (Variation ID: 3087120). Based on the evidence outlined above, the variant was classified as uncertain significance.

Ambry Genetics
Classification: Uncertain significance for Inborn genetic diseases. Last evaluated: 2024-02-28. Review status: criteria provided, single submitter. Criteria: Ambry Variant Classification Scheme 2023. Collection method: clinical testing. Allele origin: germline.

NM_014921.5(ADGRL1):c.1207T>G (p.Ser403Ala)

Genes: ADGRL1 (adhesion G protein-coupled receptor L1; minus strand), ADGRL1-AS1 (ADGRL1 antisense RNA 1; plus strand). Cytogenetic location: 19p13.12.
Variant type: single nucleotide variant.
Coding change: c.1207T>G on transcript NM_014921.5 (MANE Select); coding-DNA position 1207, T replaced by G.
Protein change: p.Ser403Ala; replaces serine 403 with alanine.
Molecular consequence: missense variant.
Genome position (GRCh38, 1-based): chr19:14,161,615, A>C on the plus strand (T>G on the coding strand, the complement: ADGRL1 is on the minus strand). VCF-style: chr19-14161615-A-C. GRCh37 (hg19) VCF-style: chr19-14272427-A-C.
Other names: c.1222T>G, p.Ser408Ala (NM_001008701.3); short protein forms S403A, S408A.
Identifiers: ClinVar variation 3087120 (VCV003087120.2), dbSNP rs1568583441, ClinGen allele CA404411381.